The following is an entry in ClinVar:

NM_006035.4(CDC42BPB):c.5054C>T (p.Pro1685Leu)

Gene: CDC42BPB (CDC42 binding protein kinase beta; minus strand). Cytogenetic location: 14q32.32.
Variant type: single nucleotide variant.
Coding change: c.5054C>T on transcript NM_006035.4 (MANE Select); coding-DNA position 5054, C replaced by T.
Protein change: p.Pro1685Leu; replaces proline 1685 with leucine.
Molecular consequence: missense variant.
Genome position (GRCh38, 1-based): chr14:102,933,794, G>A on the plus strand (C>T on the coding strand, the complement: CDC42BPB is on the minus strand). VCF-style: chr14-102933794-G-A. GRCh37 (hg19) VCF-style: chr14-103400131-G-A.
Other names: short protein forms P1685L.
Identifiers: ClinVar variation 1314263 (VCV001314263.2), dbSNP rs2139325341, ClinGen allele CA391070995.

ClinVar aggregate classification (germline): Uncertain significance (1 of 4 stars; one submission).

gnomAD v4.1: 1 of 1,506,908 alleles (0.000066%); highest among the groups gnomAD compares: Non-Finnish European, 0.000088%; no homozygotes.

Submission:

GeneDx
Classification: Uncertain significance. Last evaluated: 2021-04-05. Review status: criteria provided, single submitter. Criteria: GeneDx Variant Classification Process June 2021. Collection method: clinical testing. Allele origin: germline. Affected: yes.
Comment: Not observed in large population cohorts (Lek et al., 2016); In silico analysis supports that this missense variant does not alter protein structure/function; Has not been previously published as pathogenic or benign to our knowledge